The following is an entry in ClinVar:

ClinVar aggregate classification (germline): Likely benign. Review status: criteria provided, multiple submitters, no conflicts (2 of 4 stars). 3 submissions from 3 submitters: Likely benign (2). 1 of the submissions does not count toward it. Last evaluated 2025-05-22.

Conditions:
MTOR-related disorder. Also called: MTOR-related condition.

gnomAD v4.1: 76 of 1,613,984 alleles (0.0047%); highest among the groups gnomAD compares: East Asian, 0.036%; no homozygotes.

Submissions (3):

Labcorp Genetics (formerly Invitae), Labcorp
Classification: Likely benign. Last evaluated: 2025-05-22. Review status: criteria provided, single submitter. Criteria: Invitae Variant Classification Sherloc (09022015). Collection method: clinical testing. Allele origin: germline.

Blueprint Genetics
Classification: Likely benign. Last evaluated: 2024-10-23. Review status: criteria provided, single submitter. Criteria: ACMG Guidelines, 2015. Collection method: clinical testing. Allele origin: germline.

PreventionGenetics, part of Exact Sciences
Classification: Likely benign for MTOR-related condition. Last evaluated: 2021-05-04. Review status: no assertion criteria provided. Collection method: clinical testing. Allele origin: germline. Not counted in ClinVar's aggregate classification.
Comment: This variant is classified as likely benign based on ACMG/AMP sequence variant interpretation guidelines (Richards et al. 2015 PMID: 25741868, with internal and published modifications).

NM_004958.4(MTOR):c.2988G>A (p.Thr996=)

Gene: MTOR (mechanistic target of rapamycin kinase; minus strand). Cytogenetic location: 1p36.22.
Variant type: single nucleotide variant.
Coding change: c.2988G>A on transcript NM_004958.4 (MANE Select); coding-DNA position 2988, G replaced by A.
Protein change: p.Thr996=; no amino-acid change (threonine 996 retained).
Molecular consequence: synonymous variant.
Genome position (GRCh38, 1-based): chr1:11,228,710, C>T on the plus strand (G>A on the coding strand, the complement: MTOR is on the minus strand). VCF-style: chr1-11228710-C-T. GRCh37 (hg19) VCF-style: chr1-11288767-C-T.
Other names: c.2988G>A, p.Thr996= (NM_001386500.1); c.1740G>A, p.Thr580= (NM_001386501.1); c.2988G>A (NM_004958.3).
Identifiers: ClinVar variation 1130763 (VCV001130763.12), dbSNP rs200775211, ClinGen allele CA590345.
Genomic context (GRCh38, chr1:11,228,710, plus strand): 5'-GGGGTTTGAGGTACTTACTTCCCGGATGGCCCCATCACAGACTCGAATGACGTTAAGGAA[C>T]GTGGGCATGACCTGGGGCAGGAACTGCACACATTTGAGTCCCAGGGACTTGAAGATGAAG-3'
Protein context (NP_004949.1, residues 986-1006): CVQFLPQVMP[Thr996=]FLNVIRVCDG